The following is an entry in ClinVar:

NM_152296.5(ATP1A3):c.2922-2A>G

Gene: ATP1A3 (ATPase Na+/K+ transporting subunit alpha 3; minus strand). Cytogenetic location: 19q13.2.
Variant type: single nucleotide variant.
Coding change: c.2922-2A>G on transcript NM_152296.5 (MANE Select); the canonical splice acceptor site of the intron before coding-DNA position 2922, A replaced by G.
Molecular consequence: splice acceptor variant.
Genome position (GRCh38, 1-based): chr19:41,967,342, T>C on the plus strand (A>G on the coding strand, the complement: ATP1A3 is on the minus strand). VCF-style: chr19-41967342-T-C. GRCh37 (hg19) VCF-style: chr19-42471494-T-C.
Other names: c.2961-2A>G (NM_001256214.2); c.2955-2A>G (NM_001256213.2).
Identifiers: ClinVar variation 3384514 (VCV003384514.1).

ClinVar aggregate classification (germline): Uncertain significance (1 of 4 stars; one submission).

Submission:

GeneDx
Classification: Uncertain significance. Last evaluated: 2024-06-02. Review status: criteria provided, single submitter. Criteria: GeneDx Variant Classification Process June 2021. Collection method: clinical testing. Allele origin: germline. Affected: yes.
Comment: Not observed at significant frequency in large population cohorts (gnomAD); Canonical splice site variant in a gene or region of a gene for which loss of function is not a well-established mechanism of disease; Has not been previously published as pathogenic or benign to our knowledge